The following is an entry in ClinVar:

ClinVar aggregate classification (germline): Pathogenic. Review status: criteria provided, multiple submitters, no conflicts (2 of 4 stars). 2 submissions from 2 submitters: Pathogenic (2). Last evaluated 2024-10-09.

Conditions:
X-linked Alport syndrome (ATS1). Also called: NEPHROPATHY AND DEAFNESS, X-LINKED; COL4A5-Related Nephropathy. Identifiers: Orphanet 63, Orphanet 88917, MedGen C4746986, MONDO:0010520, OMIM 301050.

Submissions (2):

Victorian Clinical Genetics Services, Murdoch Childrens Research Institute
Classification: Pathogenic for X-linked Alport syndrome. Last evaluated: 2024-10-09. Review status: criteria provided, single submitter. Criteria: ACMG Guidelines, 2015. Collection method: clinical testing. Allele origin: germline. Inheritance: X-linked dominant inheritance. Affected: yes.
Comment: Based on the classification scheme VCGS_Germline_v1.3.4, this variant is classified as Pathogenic. Following criteria are met: 0103 - Dominant negative and loss of function are known mechanisms of disease in this gene and are associated with X-linked Alport syndrome 1 (MIM#301050). Dominant negative is caused mostly glycine substitutions that affect the conformation of the protein, and loss of function can be caused by either protein truncating or missense variants (PMIDs: 24046192, 12028435). (I) 0110 - This gene is associated with X-linked dominant disease. Males are typically more severely affected than females (PMID: 19965530). (I) 0115 - Variants in this gene are known to have variable expressivity. There is intrafamilial variability among affected carrier females, possibly due to variable X-inactivation (PMID: 14514738). (I) 0211 - Canonical splice site variant without proven consequence on splicing (no functional evidence available). (SP) 0253 - This variant is hemizygous. (I) 0301 - Variant is absent from gnomAD (both v2 and v3). (SP) 0505 - Abnormal splicing is predicted by in silico tools and affected nucleotide is highly conserved. (SP) 0704 - Another cannonical splice variant comparable to the one identified in this case has limited previous evidence for pathogenicity. c.3809-2A>T was observed as somatic mosaic in one individual with Alport syndrome (PMID: 24304881). (SP) 0803 - This variant has limited previous evidence of pathogenicity in unrelated individuals. This variant has been classified as pathogenic by a clinical laboratory in ClinVar and has been reported in an individual with X-linked Alport syndrome (MIM#301050) (PMID: 8406498). (SP) 0905 - No published segregation evidence has been identified for this variant. (I) 1007 - No published functional evidence has been identified for this variant. (I) 1101 - Very strong and specific phenotype match for this individual. (SP) 1208 - Inheritance information for this variant is not currently available in this individual. (I) Legend: (SP) - Supporting pathogenic, (I) - Information, (SB) - Supporting benign

Labcorp Genetics (formerly Invitae), Labcorp
Classification: Pathogenic. Last evaluated: 2022-07-21. Review status: criteria provided, single submitter. Criteria: Invitae Variant Classification Sherloc (09022015). Collection method: clinical testing. Allele origin: germline.
Comment: For these reasons, this variant has been classified as Pathogenic. Algorithms developed to predict the effect of sequence changes on RNA splicing suggest that this variant may disrupt the consensus splice site. Disruption of this splice site has been observed in individuals with Alport syndrome and/or clinical features of Alport syndrome (PMID: 8406498; Invitae). It has also been observed to segregate with disease in related individuals. This variant is not present in population databases (gnomAD no frequency). This sequence change affects an acceptor splice site in intron 41 of the COL4A5 gene. It is expected to disrupt RNA splicing. Variants that disrupt the donor or acceptor splice site typically lead to a loss of protein function (PMID: 16199547), and loss-of-function variants in COL4A5 are known to be pathogenic (PMID: 9195222, 10752524, 14514738, 24854265, 26809805).

Literature cited by the submitters: PubMed 8406498 (cited by Victorian Clinical Genetics Services, Murdoch Childrens Research Institute and Labcorp Genetics (formerly Invitae), Labcorp); PubMed 12028435 (cited by Victorian Clinical Genetics Services, Murdoch Childrens Research Institute); PubMed 14514738 (cited by Victorian Clinical Genetics Services, Murdoch Childrens Research Institute and Labcorp Genetics (formerly Invitae), Labcorp); PubMed 19965530 (cited by Victorian Clinical Genetics Services, Murdoch Childrens Research Institute); PubMed 24046192 (cited by Victorian Clinical Genetics Services, Murdoch Childrens Research Institute); PubMed 24304881 (cited by Victorian Clinical Genetics Services, Murdoch Childrens Research Institute); PubMed 16199547 (cited by Labcorp Genetics (formerly Invitae), Labcorp); PubMed 9195222 (cited by Labcorp Genetics (formerly Invitae), Labcorp); PubMed 10752524 (cited by Labcorp Genetics (formerly Invitae), Labcorp); PubMed 24854265 (cited by Labcorp Genetics (formerly Invitae), Labcorp); PubMed 26809805 (cited by Labcorp Genetics (formerly Invitae), Labcorp).

NM_033380.3(COL4A5):c.3809-1G>A

Gene: COL4A5 (collagen type IV alpha 5 chain; plus strand). Cytogenetic location: Xq22.3.
Variant type: single nucleotide variant.
Coding change: c.3809-1G>A on transcript NM_033380.3 (MANE Select); the canonical splice acceptor site of the intron before coding-DNA position 3809, G replaced by A.
Molecular consequence: splice acceptor variant.
Genome position (GRCh38, 1-based): chrX:108,677,499, G>A. VCF-style: chrX-108677499-G-A. GRCh37 (hg19) VCF-style: chrX-107920729-G-A.
Other names: c.3791-1G>A (NM_000495.5); c.3809-1G>A (NM_033380.2).
Identifiers: ClinVar variation 2138708 (VCV002138708.6), dbSNP rs2524602187, ClinGen allele CA413850036.
Genomic context (GRCh38, chrX:108,677,499, plus strand): 5'-TGACTTTTATGCTACTCTTAACACTATACTGAAATGTCGTCATTTGCTGTGGATTATTAA[G>A]GTCTACCAGGTCCAGAAGGTCCTCCAGGTCTCCCTGGAAATGGAGGTATTAAAGGAGAGA-3'